The following is an entry in ClinVar:

ClinVar aggregate classification (germline): Likely benign. Review status: criteria provided, multiple submitters, no conflicts (2 of 4 stars). 4 submissions from 4 submitters: Likely benign (4). Last evaluated 2026-08-24.

Conditions:
APTX-related disorder. Also called: APTX-related condition.

Allele frequency attached by ClinVar (database versions not stated): ExAC 0.00003; gnomAD exomes 0.00006 and 0.00015; TOPMed 0.00011; gnomAD 0.00013 and 0.00014; ESP Exome Variant Server 0.00023.
gnomAD v4.1: 230 of 1,614,080 alleles (0.014%); highest among the groups gnomAD compares: Non-Finnish European, 0.019%; 1 homozygote.

Submissions (4):

PreventionGenetics, part of Exact Sciences
Classification: Likely benign for APTX-related condition. Last evaluated: 2026-08-24. Review status: criteria provided, single submitter. Criteria: ACMG Guidelines, 2015. Collection method: clinical testing. Allele origin: germline.
Comment: This variant is classified as likely benign based on ACMG/AMP sequence variant interpretation guidelines (Richards et al. 2015 PMID: 25741868, with internal and published modifications).

Labcorp Genetics (formerly Invitae), Labcorp
Classification: Likely benign. Last evaluated: 2025-10-29. Review status: criteria provided, single submitter. Criteria: Invitae Variant Classification Sherloc (09022015). Collection method: clinical testing. Allele origin: germline.

Athena Diagnostics
Classification: Likely benign. Last evaluated: 2025-01-20. Review status: criteria provided, single submitter. Criteria: Athena Diagnostics Criteria. Collection method: clinical testing. Allele origin: unknown.
Comment: Computational tools yielded predictions that this variant is unlikely to have an effect on normal RNA splicing. This nucleotide position exhibits low evolutionary conservation.

Breakthrough Genomics
Classification: Likely benign. Review status: criteria provided, single submitter. Criteria: ACMG Guidelines, 2015. Collection method: not provided. Allele origin: germline. Inheritance: Autosomal recessive inheritance. Affected: yes.

NM_001195248.2(APTX):c.378G>A (p.Arg126=)

Gene: APTX (aprataxin; minus strand). Cytogenetic location: 9p21.1.
Variant type: single nucleotide variant.
Coding change: c.378G>A on transcript NM_001195248.2 (MANE Select); coding-DNA position 378, G replaced by A.
Protein change: p.Arg126=; no amino-acid change (arginine 126 retained).
Molecular consequence: synonymous variant. On other transcripts: non-coding transcript variant (13), intron variant (1).
Genome position (GRCh38, 1-based): chr9:32,987,649, C>T on the plus strand (G>A on the coding strand, the complement: APTX is on the minus strand). VCF-style: chr9-32987649-C-T. GRCh37 (hg19) VCF-style: chr9-32987647-C-T.
Other names: c.378G>A (NM_175073.2); c.378G>A, p.Arg126= (NM_001195249.2, NM_001195251.2, NM_001368995.1 and 6 more transcripts); c.216G>A, p.Arg72= (NM_001195250.2, NM_001195254.2, NM_001369000.1 and 1 more transcripts); c.114G>A, p.Arg38= (NM_001369002.1, NM_001369003.1, NM_001369004.1 and 5 more transcripts); c.267+111G>A (NM_001195252.2).
Identifiers: ClinVar variation 1552870 (VCV001552870.11), dbSNP rs149162464, ClinGen allele CA5022527.
Genomic context (GRCh38, chr9:32,987,649, plus strand): 5'-TTGGCCAGAGTTGCTCCCAGGTTCCAGCCCTGTCCCAGCCTCAGCTTCCTGAGCAGCATC[C>T]CTTTCTATAGAATCACTGTTGCCTGATCTCTTTCTCTTCCTGTGTGTTTCCAGGCCAGGG-3'
Protein context (NP_001182177.2, residues 116-136): KRSGNSDSIE[Arg126=]DAAQEAEAGT